The following is an entry in ClinVar:

ClinVar aggregate classification (germline): Uncertain significance (0 of 4 stars; one submission).

Allele frequency attached by ClinVar (database versions not stated): gnomAD exomes below 0.00001.
gnomAD v4.1: 1 of 1,581,358 alleles (0.000063%); highest among the groups gnomAD compares: Non-Finnish European, 0.000086%; no homozygotes.

Submission:

Department of Pathology and Laboratory Medicine, Sinai Health System
Classification: Uncertain significance. Review status: no assertion criteria provided. Collection method: clinical testing. Allele origin: unknown. Affected: yes. Study: The Canadian Open Genetics Repository (COGR).
Comment: The PRDM16 p.V1143A variant was not identified in the literature nor was it identified in dbSNP, ClinVar or in the following control databases: the 1000 Genomes Project, the NHLBI GO Exome Sequencing Project, or the Genome Aggregation Database (March 6, 2019, v2.1.1). The p.V1143 residue is not conserved in mammals and computational analyses (MUT Assesor, PolyPhen-2, SIFT, MutationTaster, Revel, FATHMM, MetaLR, DANN) do not suggest a high likelihood of impact to the protein; however this information is not predictive enough to rule out pathogenicity. The variant occurs outside of the splicing consensus sequence and in silico or computational prediction software programs (Splice AI exome) do not predict a difference in splicing. In summary, based on the above information the clinical significance of this variant cannot be determined with certainty at this time. This variant is classified as a variant of uncertain significance.

NM_022114.4(PRDM16):c.3428T>C (p.Val1143Ala)

Gene: PRDM16 (PR/SET domain 16; plus strand). Cytogenetic location: 1p36.32.
Variant type: single nucleotide variant.
Coding change: c.3428T>C on transcript NM_022114.4 (MANE Select); coding-DNA position 3428, T replaced by C.
Protein change: p.Val1143Ala; replaces valine 1143 with alanine.
Molecular consequence: missense variant.
Genome position (GRCh38, 1-based): chr1:3,431,015, T>C. VCF-style: chr1-3431015-T-C. GRCh37 (hg19) VCF-style: chr1-3347579-T-C.
Other names: c.3428T>C, p.Val1143Ala (NM_199454.3); short protein forms V1143A.
Identifiers: ClinVar variation 1050610 (VCV001050610.1), dbSNP rs2100702141, ClinGen allele CA338004148.